The following is an entry in ClinVar:

ClinVar aggregate classification (germline): Conflicting classifications of pathogenicity. Review status: criteria provided, conflicting classifications (1 of 4 stars). 4 submissions from 4 submitters: Uncertain significance (2); Benign (1); Likely benign (1). Last evaluated 2025-01-08.

Conditions:
Inborn genetic diseases. Identifiers: MedGen C0950123, MeSH D030342.
Vitreoretinopathy. Also called: Vitreoretinal degeneration. Identifiers: MedGen C0344290, MONDO:0020248, HP:0007773.

Allele frequency attached by ClinVar (database versions not stated): gnomAD 0.00002; TOPMed 0.00003.
gnomAD v4.1: 60 of 1,613,896 alleles (0.0037%); highest among the groups gnomAD compares: Non-Finnish European, 0.0047%; no homozygotes.

Submissions (4):

Ambry Genetics
Classification: Uncertain significance for Inborn genetic diseases. Last evaluated: 2025-01-08. Review status: criteria provided, single submitter. Criteria: Ambry Variant Classification Scheme 2023. Collection method: clinical testing. Allele origin: germline.

Blueprint Genetics
Classification: Likely benign. Last evaluated: 2024-06-28. Review status: criteria provided, single submitter. Criteria: ACMG Guidelines, 2015. Collection method: clinical testing. Allele origin: germline.

Labcorp Genetics (formerly Invitae), Labcorp
Classification: Uncertain significance. Last evaluated: 2024-06-19. Review status: criteria provided, single submitter. Criteria: Invitae Variant Classification Sherloc (09022015). Collection method: clinical testing. Allele origin: germline.
Comment: This sequence change replaces proline, which is neutral and non-polar, with leucine, which is neutral and non-polar, at codon 2688 of the VCAN protein (p.Pro2688Leu). This variant is present in population databases (rs755806449, gnomAD 0.008%). This variant has not been reported in the literature in individuals affected with VCAN-related conditions. ClinVar contains an entry for this variant (Variation ID: 354453). An algorithm developed to predict the effect of missense changes on protein structure and function (PolyPhen-2) suggests that this variant is likely to be disruptive. In summary, the available evidence is currently insufficient to determine the role of this variant in disease. Therefore, it has been classified as a Variant of Uncertain Significance.

Illumina Laboratory Services, Illumina
Classification: Benign for Vitreoretinopathy. Last evaluated: 2018-01-13. Review status: criteria provided, single submitter. Criteria: ICSL Variant Classification Criteria 13 December 2019. Collection method: clinical testing. Allele origin: germline.
Comment: This variant was observed in the ICSL laboratory as part of a predisposition screen in an ostensibly healthy population. It had not been previously curated by ICSL or reported in the Human Gene Mutation Database (HGMD: prior to June 1st, 2018), and was therefore a candidate for classification through an automated scoring system. Utilizing variant allele frequency, disease prevalence and penetrance estimates, and inheritance mode, an automated score was calculated to assess if this variant is too frequent to cause the disease. Based on the score and internal cut-off values, a variant classified as benign is not then subjected to further curation. The score for this variant resulted in a classification of benign for this disease.

NM_004385.5(VCAN):c.8063C>T (p.Pro2688Leu)

Genes: VCAN (versican; plus strand), VCAN-AS1 (VCAN antisense RNA 1; minus strand). Cytogenetic location: 5q14.3.
Variant type: single nucleotide variant.
Coding change: c.8063C>T on transcript NM_004385.5 (MANE Select); coding-DNA position 8063, C replaced by T.
Protein change: p.Pro2688Leu; replaces proline 2688 with leucine.
Molecular consequence: missense variant. On other transcripts: intron variant (2).
Genome position (GRCh38, 1-based): chr5:83,541,066, C>T. VCF-style: chr5-83541066-C-T. GRCh37 (hg19) VCF-style: chr5-82836885-C-T.
Other names: c.5102C>T, p.Pro1701Leu (NM_001164097.2); c.4004-4471C>T (NM_001164098.2); c.1043-4471C>T (NM_001126336.3); short protein forms P2688L, P1701L.
Identifiers: ClinVar variation 354453 (VCV000354453.18), dbSNP rs755806449, ClinGen allele CA3333739.